The following is an entry in ClinVar:

ClinVar aggregate classification (germline): Pathogenic (1 of 4 stars; one submission).

Conditions:
Inborn genetic diseases. Identifiers: MedGen C0950123, MeSH D030342.

Submission:

Ambry Genetics
Classification: Pathogenic for Inborn genetic diseases. Last evaluated: 2022-01-19. Review status: criteria provided, single submitter. Criteria: Ambry Variant Classification Scheme 2023. Collection method: clinical testing. Allele origin: germline.
Comment: The c.495C>A (p.C165*) alteration, located in exon 4 (coding exon 4) of the MFSD2A gene, consists of a C to A substitution at nucleotide position 495. This changes the amino acid from a cysteine (C) to a stop codon at amino acid position 165. This alteration is expected to result in loss of function by premature protein truncation or nonsense-mediated mRNA decay. This variant was not reported in population-based cohorts in the Genome Aggregation Database (gnomAD). Based on the available evidence, this alteration is classified as pathogenic.

NM_032793.5(MFSD2A):c.456C>A (p.Cys152Ter)

Gene: MFSD2A (MFSD2 lysolipid transporter A, lysophospholipid; plus strand). Cytogenetic location: 1p34.2.
Variant type: single nucleotide variant.
Coding change: c.456C>A on transcript NM_032793.5 (MANE Select); coding-DNA position 456, C replaced by A.
Protein change: p.Cys152Ter; replaces cysteine 152 with a stop codon.
Molecular consequence: nonsense. On other transcripts: 5 prime UTR variant (1), non-coding transcript variant (1).
Genome position (GRCh38, 1-based): chr1:39,965,313, C>A. VCF-style: chr1-39965313-C-A. GRCh37 (hg19) VCF-style: chr1-40430985-C-A.
Other names: c.495C>A, p.Cys165Ter (NM_001136493.3); c.-13C>A (NM_001287808.2); c.345C>A, p.Cys115Ter (NM_001287809.2); c.450C>A, p.Cys150Ter (NM_001349821.2); c.456C>A, p.Cys152Ter (NM_001349822.2); c.111C>A, p.Cys37Ter (NM_001349823.2); short protein forms C115*, C165*, C37*, C152*, C150*.
Identifiers: ClinVar variation 2265225 (VCV002265225.2), dbSNP rs2522952803, ClinGen allele CA339834375.